The following is an entry in ClinVar:

ClinVar aggregate classification (germline): Uncertain significance. Review status: criteria provided, multiple submitters, no conflicts (2 of 4 stars). 3 submissions from 3 submitters: Uncertain significance (2). 1 of the submissions does not count toward it. Last evaluated 2025-05-26.

Conditions:
MN1-related disorder. Also called: MN1-related condition.
Inborn genetic diseases. Identifiers: MedGen C0950123, MeSH D030342.

Allele frequency attached by ClinVar (database versions not stated): gnomAD exomes below 0.00001.
gnomAD v4.1: 1 of 1,613,044 alleles (0.000062%); highest among the groups gnomAD compares: Admixed American, 0.0017%; no homozygotes.

Submissions (3):

Ambry Genetics
Classification: Uncertain significance for Inborn genetic diseases. Last evaluated: 2025-05-26. Review status: criteria provided, single submitter. Criteria: Ambry Variant Classification Scheme 2023. Collection method: clinical testing. Allele origin: germline.

Labcorp Genetics (formerly Invitae), Labcorp
Classification: Uncertain significance. Last evaluated: 2022-12-14. Review status: criteria provided, single submitter. Criteria: Invitae Variant Classification Sherloc (09022015). Collection method: clinical testing. Allele origin: germline.
Comment: This variant has not been reported in the literature in individuals affected with MN1-related conditions. Algorithms developed to predict the effect of missense changes on protein structure and function (SIFT, PolyPhen-2, Align-GVGD) all suggest that this variant is likely to be disruptive. In summary, the available evidence is currently insufficient to determine the role of this variant in disease. Therefore, it has been classified as a Variant of Uncertain Significance. This sequence change replaces serine, which is neutral and polar, with arginine, which is basic and polar, at codon 1212 of the MN1 protein (p.Ser1212Arg). This variant is not present in population databases (gnomAD no frequency).

PreventionGenetics, part of Exact Sciences
Classification: Uncertain significance for MN1-related condition. Last evaluated: 2024-06-18. Review status: no assertion criteria provided. Collection method: clinical testing. Allele origin: germline. Not counted in ClinVar's aggregate classification.
Comment: The MN1 c.3634A>C variant is predicted to result in the amino acid substitution p.Ser1212Arg. To our knowledge, this variant has not been reported in the literature or in a large population database, indicating this variant is rare. At this time, the clinical significance of this variant is uncertain due to the absence of conclusive functional and genetic evidence.

NM_002430.3(MN1):c.3634A>C (p.Ser1212Arg)

Gene: MN1 (MN1 proto-oncogene, transcriptional regulator; minus strand). Cytogenetic location: 22q12.1.
Variant type: single nucleotide variant.
Coding change: c.3634A>C on transcript NM_002430.3 (MANE Select); coding-DNA position 3634, A replaced by C.
Protein change: p.Ser1212Arg; replaces serine 1212 with arginine.
Molecular consequence: missense variant.
Genome position (GRCh38, 1-based): chr22:27,796,910, T>G on the plus strand (A>C on the coding strand, the complement: MN1 is on the minus strand). VCF-style: chr22-27796910-T-G. GRCh37 (hg19) VCF-style: chr22-28192898-T-G.
Other names: c.3634A>C (NM_002430.2); short protein forms S1212R.
Identifiers: ClinVar variation 2820605 (VCV002820605.5), dbSNP rs2517769900, ClinGen allele CA411041845.
Genomic context (GRCh38, chr22:27,796,910, plus strand): 5'-CAGCGGGCATGTACCAGGCAGCGCTGTGCTCTGCCATCAGCGAGTCCAGGTCAATGGTGC[T>G]CATGGCGCTCTTGACCGCCTCGGAGCAGCAGCTGCCCAGCTCGCTGTCGCCATTCTGCGC-3'
Protein context (NP_002421.3, residues 1202-1222): CCSEAVKSAM[Ser1212Arg]TIDLDSLMAE